The following is an entry in ClinVar:

NM_080680.3(COL11A2):c.-21C>G

Gene: COL11A2 (collagen type XI alpha 2 chain; minus strand). Cytogenetic location: 6p21.32.
Variant type: single nucleotide variant.
Coding change: c.-21C>G on transcript NM_080680.3 (MANE Select); 21 bases upstream of the start codon, C replaced by G.
Molecular consequence: 5 prime UTR variant.
Genome position (GRCh38, 1-based): chr6:33,192,261, G>C on the plus strand (C>G on the coding strand, the complement: COL11A2 is on the minus strand). VCF-style: chr6-33192261-G-C. GRCh37 (hg19) VCF-style: chr6-33160038-G-C.
Other names: c.-21C>G (NM_001163771.2, NM_080679.3, NM_080681.3).
Identifiers: ClinVar variation 515825 (VCV000515825.5), dbSNP rs767695417, ClinGen allele CA3751776.
Genomic context (GRCh38, chr6:33,192,261, plus strand): 5'-GGAGGAGGAGGAGGCGATGGCAGCGGCTGCACCGCTCCATGGCTGAGAAGCCGAAACGCC[G>C]GGTCCCAGGGACCCAGGTCGGCCTGAGACGCTGGATGCCCTGAGGCTGACAGAAGACAGG-3'

ClinVar aggregate classification (germline): Conflicting classifications of pathogenicity. Review status: criteria provided, conflicting classifications (1 of 4 stars). 4 submissions from 2 submitters: Uncertain significance (3); Likely benign (1). Last evaluated 2018-03-05.

Conditions:
Otospondylomegaepiphyseal dysplasia, autosomal recessive (OSMEDB). Also called: Insley-Astley syndrome; CHONDRODYSTROPHY WITH SENSORINEURAL DEAFNESS. Identifiers: Orphanet 1427, MedGen CN034493, MONDO:0044206, OMIM 215150.
Otospondylomegaepiphyseal dysplasia, autosomal dominant (OSMEDA). Also called: COL11A2-Related Stickler Syndrome; Pierre Robin syndrome with fetal chondrodysplasia; Stickler syndrome, type 3. Identifiers: Orphanet 166100, Orphanet 3450, MedGen C1848488, MONDO:0008490, OMIM 184840.
Fibrochondrogenesis 2 (FBCG2). Identifiers: Orphanet 2021, MedGen C3281128, MONDO:0013795, OMIM 614524.

Allele frequency attached by ClinVar (database versions not stated): ExAC below 0.00001; gnomAD exomes 0.00003; TOPMed 0.00006.

Submissions (4):

GeneDx
Classification: Likely benign. Last evaluated: 2018-03-05. Review status: criteria provided, single submitter. Criteria: GeneDx Variant Classification (06012015). Collection method: clinical testing. Allele origin: germline. Affected: yes.
Comment: This variant is considered likely benign or benign based on one or more of the following criteria: it is a conservative change, it occurs at a poorly conserved position in the protein, it is predicted to be benign by multiple in silico algorithms, and/or has population frequency not consistent with disease.

Illumina Laboratory Services, Illumina
Classification: Uncertain significance for Otospondylomegaepiphyseal dysplasia, autosomal recessive. Last evaluated: 2018-01-13. Review status: criteria provided, single submitter. Criteria: ICSL Variant Classification Criteria 13 December 2019. Collection method: clinical testing. Allele origin: germline.

Illumina Laboratory Services, Illumina
Classification: Uncertain significance for Otospondylomegaepiphyseal dysplasia, autosomal dominant. Last evaluated: 2018-01-13. Review status: criteria provided, single submitter. Criteria: ICSL Variant Classification Criteria 13 December 2019. Collection method: clinical testing. Allele origin: germline.

Illumina Laboratory Services, Illumina
Classification: Uncertain significance for Fibrochondrogenesis 2. Last evaluated: 2018-01-13. Review status: criteria provided, single submitter. Criteria: ICSL Variant Classification Criteria 13 December 2019. Collection method: clinical testing. Allele origin: germline.